The following is an entry in ClinVar:

ClinVar aggregate classification (germline): Uncertain significance (1 of 4 stars; one submission).

Conditions:
Cryopyrin associated periodic syndrome (CAPS). Identifiers: Orphanet 208650, MedGen C2316212, MONDO:0016168.

Submission:

Labcorp Genetics (formerly Invitae), Labcorp
Classification: Uncertain significance for Cryopyrin associated periodic syndrome. Last evaluated: 2022-07-14. Review status: criteria provided, single submitter. Criteria: Invitae Variant Classification Sherloc (09022015). Collection method: clinical testing. Allele origin: germline.
Comment: In summary, the available evidence is currently insufficient to determine the role of this variant in disease. Therefore, it has been classified as a Variant of Uncertain Significance. This sequence change replaces glycine, which is neutral and non-polar, with alanine, which is neutral and non-polar, at codon 895 of the NLRP3 protein (p.Gly895Ala). This variant is not present in population databases (gnomAD no frequency). This variant has not been reported in the literature in individuals affected with NLRP3-related conditions. Advanced modeling of protein sequence and biophysical properties (such as structural, functional, and spatial information, amino acid conservation, physicochemical variation, residue mobility, and thermodynamic stability) performed at Invitae indicates that this missense variant is expected to disrupt NLRP3 protein function.

NM_001243133.2(NLRP3):c.2678G>C (p.Gly893Ala)

Gene: NLRP3 (NLR family pyrin domain containing 3; plus strand). Cytogenetic location: 1q44.
Variant type: single nucleotide variant.
Coding change: c.2678G>C on transcript NM_001243133.2 (MANE Select); coding-DNA position 2678, G replaced by C.
Protein change: p.Gly893Ala; replaces glycine 893 with alanine.
Molecular consequence: missense variant.
Genome position (GRCh38, 1-based): chr1:247,443,986, G>C. VCF-style: chr1-247443986-G-C. GRCh37 (hg19) VCF-style: chr1-247607288-G-C.
Other names: c.2678G>C, p.Gly893Ala (NM_001079821.3); c.2507G>C, p.Gly836Ala (NM_001127461.3, NM_001127462.3); c.2684G>C, p.Gly895Ala (NM_004895.5); c.2336G>C, p.Gly779Ala (NM_183395.3); short protein forms G779A, G836A, G893A, G895A.
Identifiers: ClinVar variation 2016993 (VCV002016993.5), dbSNP rs2527467306, ClinGen allele CA345564761.
Genomic context (GRCh38, chr1:247,443,986, plus strand): 5'-GGGGAACAGCTGGGTACTGAGGACTCTTCTCCCTGTCCTTCTACAGGTTGGTGAATTCTG[G>C]CCTTACGTCAGTCTGTTGTTCAGCTTTGTCCTCGGTACTCAGCACTAATCAGAATCTCAC-3'
Protein context (NP_001230062.1, residues 883-903): NLQKLGLVNS[Gly893Ala]LTSVCCSALS